The following is an entry in ClinVar:

ClinVar aggregate classification (germline): Conflicting classifications of pathogenicity. Review status: criteria provided, conflicting classifications (1 of 4 stars). 3 submissions from 3 submitters: Uncertain significance (2); Likely benign (1). Last evaluated 2026-01-26.

Conditions:
FLNB-related disorder. Also called: FLNB-related disorders; FLNB-related condition. Identifiers: MedGen CN381095.

Allele frequency attached by ClinVar (database versions not stated): gnomAD 0.00002 and 0.00003; gnomAD exomes 0.00004 and 0.00010; ExAC 0.00005; TOPMed 0.00005; 1000 Genomes Project 30x 0.00016; 1000 Genomes Project 0.00020.
gnomAD v4.1: 155 of 1,614,210 alleles (0.0096%); highest among the groups gnomAD compares: East Asian, 0.033%; no homozygotes.

Submissions (3):

Labcorp Genetics (formerly Invitae), Labcorp
Classification: Likely benign. Last evaluated: 2026-01-26. Review status: criteria provided, single submitter. Criteria: Invitae Variant Classification Sherloc (09022015). Collection method: clinical testing. Allele origin: germline.

GeneDx
Classification: Uncertain significance. Last evaluated: 2024-12-16. Review status: criteria provided, single submitter. Criteria: GeneDx Variant Classification Process June 2021. Collection method: clinical testing. Allele origin: germline. Affected: yes.
Comment: In silico analysis supports that this missense variant has a deleterious effect on protein structure/function; Has not been previously published as pathogenic or benign to our knowledge

PreventionGenetics, part of Exact Sciences
Classification: Uncertain significance for FLNB-related condition. Last evaluated: 2023-07-18. Review status: criteria provided, single submitter. Criteria: ACMG Guidelines, 2015. Collection method: clinical testing. Allele origin: germline.
Comment: The FLNB c.1402C>T variant is predicted to result in the amino acid substitution p.Arg468Cys. To our knowledge, this variant has not been reported in the literature. This variant is reported in 0.0080% of alleles in individuals of African descent in gnomAD. At this time, the clinical significance of this variant is uncertain due to the absence of conclusive functional and genetic evidence.

NM_001457.4(FLNB):c.1402C>T (p.Arg468Cys)

Gene: FLNB (filamin B; plus strand). Cytogenetic location: 3p14.3.
Variant type: single nucleotide variant.
Coding change: c.1402C>T on transcript NM_001457.4 (MANE Select); coding-DNA position 1402, C replaced by T.
Protein change: p.Arg468Cys; replaces arginine 468 with cysteine.
Molecular consequence: missense variant.
Genome position (GRCh38, 1-based): chr3:58,102,259, C>T. VCF-style: chr3-58102259-C-T. GRCh37 (hg19) VCF-style: chr3-58087986-C-T.
Other names: c.1402C>T (NM_001457.3); c.1402C>T, p.Arg468Cys (NM_001164317.2, NM_001164318.2, NM_001164319.2); short protein forms R468C.
Identifiers: ClinVar variation 1373122 (VCV001373122.7), dbSNP rs139664696, ClinGen allele CA2467800.
Genomic context (GRCh38, chr3:58,102,259, plus strand): 5'-GCAGCCTGCAATCCAAATGCCTGCCGGGCCAGTGGCCGAGGCCTACAACCCAAAGGCGTC[C>T]GTATCCGGGAGACCACAGATTTCAAGGTTGACACCAAAGCTGCAGGAAGTGGGGAGCTCG-3'
Protein context (NP_001448.2, residues 458-478): SGRGLQPKGV[Arg468Cys]IRETTDFKVD